The following is an entry in ClinVar:

NM_001145252.3(CFP):c.260C>T (p.Ala87Val)

Gene: CFP (complement factor properdin; minus strand). Cytogenetic location: Xp11.23.
Variant type: single nucleotide variant.
Coding change: c.260C>T on transcript NM_001145252.3 (MANE Select); coding-DNA position 260, C replaced by T.
Protein change: p.Ala87Val; replaces alanine 87 with valine.
Molecular consequence: missense variant.
Genome position (GRCh38, 1-based): chrX:47,628,245, G>A on the plus strand (C>T on the coding strand, the complement: CFP is on the minus strand). VCF-style: chrX-47628245-G-A. GRCh37 (hg19) VCF-style: chrX-47487644-G-A.
Other names: c.260C>T, p.Ala87Val (NM_002621.2); short protein forms A87V.
Identifiers: ClinVar variation 3615393 (VCV003615393.2).

ClinVar aggregate classification (germline): Uncertain significance (1 of 4 stars; one submission).

gnomAD v4.1: 6 of 1,210,579 alleles (0.0005%); highest among the groups gnomAD compares: South Asian, 0.011%; no homozygotes.

Submission:

Labcorp Genetics (formerly Invitae), Labcorp
Classification: Uncertain significance. Last evaluated: 2024-10-21. Review status: criteria provided, single submitter. Criteria: Invitae Variant Classification Sherloc (09022015). Collection method: clinical testing. Allele origin: germline.
Comment: This sequence change replaces alanine, which is neutral and non-polar, with valine, which is neutral and non-polar, at codon 87 of the CFP protein (p.Ala87Val). This variant is not present in population databases (gnomAD no frequency). This variant has not been reported in the literature in individuals affected with CFP-related conditions. Invitae Evidence Modeling of protein sequence and biophysical properties (such as structural, functional, and spatial information, amino acid conservation, physicochemical variation, residue mobility, and thermodynamic stability) indicates that this missense variant is not expected to disrupt CFP protein function with a negative predictive value of 80%. In summary, the available evidence is currently insufficient to determine the role of this variant in disease. Therefore, it has been classified as a Variant of Uncertain Significance.